The following is an entry in ClinVar:

NM_152744.3(SDK1):c.299-49000_299-30913del

Gene: SDK1 (sidekick cell adhesion molecule 1; plus strand). Cytogenetic location: 7p22.2.
Variant type: Deletion.
Coding change: c.299-49000_299-30913del on transcript NM_152744.3; 49000 bases into the intron before coding-DNA position 299 through 30913 bases into the intron before coding-DNA position 299, this stretch deleted.
Identifiers: ClinVar variation 157035 (VCV000157035.2).

ClinVar aggregate classification (germline): not provided (0 of 4 stars; one submission).

Conditions:
Normal pregnancy. Identifiers: MedGen C0232989.

Submission:

Institute of Molecular and Cell Biology, University of Tartu
No classification provided. Condition: Normal pregnancy. Review status: no classification provided. Collection method: case-control. Allele origin: unknown. Affected: yes. Study: Kasak2014.
Comment: The study aimed to determine the contribution of copy number variants in the genetic etiology of normal and complicated pregnancies. The samples represented (i) maternal blood DNA drawn from healthy pregnant women during 1st or 2nd trimester and (ii) maternal and paternal blood DNA drawn at term pregnancy cases representing normal and complicated gestations (severe preeclampsia, PE; gestational diabetes, GD; small-for-gestational age newborn, SGA; large-for-gestational age newborn, LGA). We performed CNV calling based on genome-wide genotyping dataset (Illumina HumanOmniExpress-24-v1 BeadChip) by applying three algorithms, QuantiSNP, GADA (Genome Alteration Detection Algorithm) and CNstream in parallel. The acquired CNV calls were merged with HD-CNV (Hotspot Detector for Copy Number Variants) program and only the CNVs predicted by at least two programs, were considered in subsequent analysis.

Literature cited by the submitters: PubMed 25666259.